The following is an entry in ClinVar:

ClinVar aggregate classification (germline): Uncertain significance (1 of 4 stars; one submission).

Conditions:
Inborn genetic diseases. Identifiers: MedGen C0950123, MeSH D030342.

Submission:

Ambry Genetics
Classification: Uncertain significance for Inborn genetic diseases. Last evaluated: 2021-08-20. Review status: criteria provided, single submitter. Criteria: Ambry Variant Classification Scheme 2023. Collection method: clinical testing. Allele origin: germline.
Comment: The c.756G>C (p.K252N) alteration is located in exon 4 (coding exon 4) of the TUBB3 gene. This alteration results from a G to C substitution at nucleotide position 756, causing the lysine (K) at amino acid position 252 to be replaced by an asparagine (N). This variant was not reported in population-based cohorts in the Genome Aggregation Database (gnomAD). This amino acid position is highly conserved in available vertebrate species. This alteration is predicted to be tolerated by in silico analysis. Based on insufficient or conflicting evidence, the clinical significance of this alteration remains unclear.

NM_006086.4(TUBB3):c.756G>C (p.Lys252Asn)

Gene: TUBB3 (tubulin beta 3 class III; plus strand). Cytogenetic location: 16q24.3.
Variant type: single nucleotide variant.
Coding change: c.756G>C on transcript NM_006086.4 (MANE Select); coding-DNA position 756, G replaced by C.
Protein change: p.Lys252Asn; replaces lysine 252 with asparagine.
Molecular consequence: missense variant.
Genome position (GRCh38, 1-based): chr16:89,935,207, G>C. VCF-style: chr16-89935207-G-C. GRCh37 (hg19) VCF-style: chr16-90001615-G-C.
Other names: c.540G>C, p.Lys180Asn (NM_001197181.2); short protein forms K180N, K252N.
Identifiers: ClinVar variation 2237004 (VCV002237004.2), dbSNP rs2544627671, ClinGen allele CA397475268.